The following is an entry in ClinVar:

NM_015602.4(TOR1AIP1):c.1037C>A (p.Ala346Asp)

Gene: TOR1AIP1 (torsin 1A interacting protein 1; plus strand). Cytogenetic location: 1q25.2.
Variant type: single nucleotide variant.
Coding change: c.1037C>A on transcript NM_015602.4 (MANE Select); coding-DNA position 1037, C replaced by A.
Protein change: p.Ala346Asp; replaces alanine 346 with aspartic acid.
Molecular consequence: missense variant.
Genome position (GRCh38, 1-based): chr1:179,917,524, C>A. VCF-style: chr1-179917524-C-A. GRCh37 (hg19) VCF-style: chr1-179886659-C-A.
Other names: c.1040C>A, p.Ala347Asp (NM_001267578.2); c.1037C>A (NM_015602.2); short protein forms A346D, A347D.
Identifiers: ClinVar variation 2157712 (VCV002157712.6), dbSNP rs774213967, ClinGen allele CA1269083.

ClinVar aggregate classification (germline): Uncertain significance. Review status: criteria provided, multiple submitters, no conflicts (2 of 4 stars). 3 submissions from 3 submitters: Uncertain significance (3). Last evaluated 2023-04-11.

Conditions:
Autosomal recessive limb-girdle muscular dystrophy type 2Y (MRRSDC). Also called: Muscular dystrophy, limb-girdle, type 2y; Muscular dystrophy, autosomal recessive, with rigid spine and distal joint contractures. Identifiers: Orphanet 424261, MedGen C4511482, MONDO:0014900, OMIM 617072.
Inborn genetic diseases. Identifiers: MedGen C0950123, MeSH D030342.

Allele frequency attached by ClinVar (database versions not stated): ExAC 0.00001.
gnomAD v4.1: 1 of 1,614,060 alleles (0.000062%); highest among the groups gnomAD compares: Admixed American, 0.0017%; no homozygotes.

Submissions (3):

Genome-Nilou Lab
Classification: Uncertain significance for Autosomal recessive limb-girdle muscular dystrophy type 2Y. Last evaluated: 2023-04-11. Review status: criteria provided, single submitter. Criteria: ACMG Guidelines, 2015. Collection method: clinical testing. Allele origin: germline. Affected: no.

Labcorp Genetics (formerly Invitae), Labcorp
Classification: Uncertain significance for Autosomal recessive limb-girdle muscular dystrophy type 2Y. Last evaluated: 2022-02-10. Review status: criteria provided, single submitter. Criteria: Invitae Variant Classification Sherloc (09022015). Collection method: clinical testing. Allele origin: germline.
Comment: In summary, the available evidence is currently insufficient to determine the role of this variant in disease. Therefore, it has been classified as a Variant of Uncertain Significance. Algorithms developed to predict the effect of missense changes on protein structure and function are either unavailable or do not agree on the potential impact of this missense change (SIFT: "Deleterious"; PolyPhen-2: "Benign"; Align-GVGD: "Class C0"). This variant has not been reported in the literature in individuals affected with TOR1AIP1-related conditions. This variant is present in population databases (rs774213967, gnomAD 0.003%). This sequence change replaces alanine, which is neutral and non-polar, with aspartic acid, which is acidic and polar, at codon 347 of the TOR1AIP1 protein (p.Ala347Asp).

Ambry Genetics
Classification: Uncertain significance for Inborn genetic diseases. Last evaluated: 2021-09-17. Review status: criteria provided, single submitter. Criteria: Ambry Variant Classification Scheme 2023. Collection method: clinical testing. Allele origin: germline.